The following is an entry in ClinVar:

ClinVar aggregate classification (germline): Uncertain significance (1 of 4 stars; one submission).

Conditions:
Acute myeloid leukemia (AML). Also called: Acute myeloid leukemia, adult; AML adult; Acute non-lymphocytic leukemia; Acute granulocytic leukemia; Leukemia, acute myeloid, somatic; Leukemia, acute myelogenous, somatic. Identifiers: Orphanet 519, MedGen C0023467, MeSH D015470, MONDO:0018874, OMIM 601626, HP:0004808. Disease mechanism: Constitutively activated FLT3.

Allele frequency attached by ClinVar (database versions not stated): TOPMed below 0.00001.

Submission:

Labcorp Genetics (formerly Invitae), Labcorp
Classification: Uncertain significance for Acute myeloid leukemia. Last evaluated: 2023-07-08. Review status: criteria provided, single submitter. Criteria: Invitae Variant Classification Sherloc (09022015). Collection method: clinical testing. Allele origin: germline.
Comment: In summary, the available evidence is currently insufficient to determine the role of this variant in disease. Therefore, it has been classified as a Variant of Uncertain Significance. Advanced modeling of protein sequence and biophysical properties (such as structural, functional, and spatial information, amino acid conservation, physicochemical variation, residue mobility, and thermodynamic stability) performed at Invitae indicates that this missense variant is not expected to disrupt CEBPA protein function. This variant has not been reported in the literature in individuals affected with CEBPA-related conditions. This variant is not present in population databases (gnomAD no frequency). This sequence change replaces asparagine, which is neutral and polar, with histidine, which is basic and polar, at codon 283 of the CEBPA protein (p.Asn283His).

NM_004364.5(CEBPA):c.847A>C (p.Asn283His)

Gene: CEBPA (CCAAT enhancer binding protein alpha; minus strand). Cytogenetic location: 19q13.11.
Variant type: single nucleotide variant.
Coding change: c.847A>C on transcript NM_004364.5 (MANE Select); coding-DNA position 847, A replaced by C.
Protein change: p.Asn283His; replaces asparagine 283 with histidine.
Molecular consequence: missense variant.
Genome position (GRCh38, 1-based): chr19:33,301,568, T>G on the plus strand (A>C on the coding strand, the complement: CEBPA is on the minus strand). VCF-style: chr19-33301568-T-G. GRCh37 (hg19) VCF-style: chr19-33792474-T-G.
Other names: c.490A>C, p.Asn164His (NM_001285829.2); c.952A>C, p.Asn318His (NM_001287424.2); c.805A>C, p.Asn269His (NM_001287435.2); short protein forms N164H, N283H, N318H, N269H.
Identifiers: ClinVar variation 2789795 (VCV002789795.3), dbSNP rs1967165766, ClinGen allele CA405274086.